The following is an entry in ClinVar:

NM_002124.4(HLA-DRB1):c.55C>T (p.Leu19=)

Gene: HLA-DRB1 (major histocompatibility complex, class II, DR beta 1; minus strand). Cytogenetic location: 6p21.32.
Variant type: single nucleotide variant.
Coding change: c.55C>T on transcript NM_002124.4 (MANE Select); coding-DNA position 55, C replaced by T.
Protein change: p.Leu19=; no amino-acid change (leucine 19 retained).
Molecular consequence: synonymous variant.
Genome position (GRCh38, 1-based): chr6:32,589,688, G>A on the plus strand (C>T on the coding strand, the complement: HLA-DRB1 is on the minus strand). VCF-style: chr6-32589688-G-A. GRCh37 (hg19) VCF-style: chr6-32557465-G-A.
Identifiers: ClinVar variation 2656466 (VCV002656466.24), dbSNP rs34187469, ClinGen allele CA3743563.

ClinVar aggregate classification (germline): Likely benign (1 of 4 stars; one submission).

Allele frequency attached by ClinVar (database versions not stated): ExAC 0.00025; gnomAD 0.00110; 1000 Genomes Project 30x 0.00172; 1000 Genomes Project 0.01118.

Submission:

CeGaT Center for Human Genetics Tuebingen
Classification: Likely benign. Last evaluated: 2023-08-01. Review status: criteria provided, single submitter. Criteria: CeGaT Center For Human Genetics Tuebingen Variant Classification Criteria Version 2. Collection method: clinical testing. Allele origin: germline. Affected: yes. Observed: 1 variant allele.
Comment: HLA-DRB1: BP4, BP7